The following is an entry in ClinVar:

NM_000540.3(RYR1):c.1298del (p.Thr433fs)

Gene: RYR1 (ryanodine receptor 1; plus strand). Cytogenetic location: 19q13.2.
Variant type: Deletion.
Coding change: c.1298del on transcript NM_000540.3 (MANE Select); coding-DNA position 1298, one base deleted (C; older notation c.1298delC).
Protein change: p.Thr433fs; shifts the reading frame from threonine 433.
Molecular consequence: frameshift variant.
Genome position (GRCh38, 1-based): chr19:38,452,872, C deleted. VCF-style (leftmost placement, unchanged base first): chr19-38452871-AC-A. GRCh37 (hg19) VCF-style: chr19-38943511-AC-A.
Other names: c.1298del, p.Thr433fs (NM_001042723.2); short protein forms T433fs.
Identifiers: ClinVar variation 4757627 (VCV004757627.1).
Genomic context (GRCh38, chr19:38,452,871, plus strand): 5'-CCCTGTAGGAGCCTGGACAGCTTCAGCGGGAAGCCACGGGGCTCGGGGCCACCCGCTGGC[AC>A]GGCGCTGCCCATCGAGGGCGTTATCCTGAGCCTGCAGGACCTCATCATCTACTTCGAGCC-3'

ClinVar aggregate classification (germline): Uncertain significance (1 of 4 stars; one submission).

Conditions:
Malignant hyperthermia, susceptibility to, 1 (MHS1). Also called: RYR1-Related Malignant Hyperthermia Susceptibility; Malignant hyperthermia suceptibility 1; Anesthesia related hyperthermia; Malignant hyperpyrexia; Fulminating hyperpyrexia; Pharmacogenic myopathy. Identifiers: Orphanet 423, MedGen C2930980, MONDO:0007783, OMIM 145600.

Submission:

Color Diagnostics, LLC DBA Color Health
Classification: Uncertain significance for Malignant hyperthermia, susceptibility to, 1. Last evaluated: 2025-07-03. Review status: criteria provided, single submitter. Criteria: ACMG Guidelines, 2015. Collection method: clinical testing. Allele origin: germline.
Comment: This variant deletes 1 nucleotide in exon 13 of the RYR1 gene, creating a frameshift and premature translation stop signal. This variant is expected to result in an absent or non-functional protein product. To our knowledge, this variant has not been reported in individuals affected with RYR1-related disorders in the literature. This variant has not been identified in the general population by the Genome Aggregation Database (gnomAD). Loss of RYR1 function due to truncation variants is not an established disease mechanism for autosomal dominant malignant hyperthermia, although it is associated with other phenotype(s). Therefore, this variant is classified as a Variant of Uncertain Significance for autosomal dominant malignant hyperthermia.